The following is an entry in ClinVar:

ClinVar aggregate classification (germline): Likely benign (1 of 4 stars; one submission).

gnomAD v4.1: 90 of 1,613,916 alleles (0.0056%); highest among the groups gnomAD compares: Admixed American, 0.14%; no homozygotes.

Submission:

CeGaT Center for Human Genetics Tuebingen
Classification: Likely benign. Last evaluated: 2026-06-01. Review status: criteria provided, single submitter. Criteria: CeGaT Center For Human Genetics Tuebingen Variant Classification Criteria Version 2. Collection method: clinical testing. Allele origin: germline. Affected: yes. Observed: 1 variant allele.
Comment: ZFHX4: BP4

NM_024721.5(ZFHX4):c.467C>A (p.Ala156Glu)

Gene: ZFHX4 (zinc finger homeobox 4; plus strand). Cytogenetic location: 8q21.13.
Variant type: single nucleotide variant.
Coding change: c.467C>A on transcript NM_024721.5 (MANE Select); coding-DNA position 467, C replaced by A.
Protein change: p.Ala156Glu; replaces alanine 156 with glutamic acid.
Molecular consequence: missense variant.
Genome position (GRCh38, 1-based): chr8:76,704,555, C>A. VCF-style: chr8-76704555-C-A. GRCh37 (hg19) VCF-style: chr8-77616790-C-A.
Other names: c.467C>A, p.Ala156Glu (NM_001410934.1); short protein forms A156E.
Identifiers: ClinVar variation 4874165 (VCV004874165.2).
Genomic context (GRCh38, chr8:76,704,555, plus strand): 5'-ATGGGTCAGCATATATAATTGAGGACTCCAAAGAAAGTGGGCAGAATGCACAGACTGGGG[C>A]AAATAGCAAACTCTTTTCTACAGCGATGTTCCTGGACTCCCTGGCATCTGCTGGAGAGAA-3'
Protein context (NP_078997.4, residues 146-166): KESGQNAQTG[Ala156Glu]NSKLFSTAMF